The following is an entry in ClinVar:

ClinVar aggregate classification (germline): Pathogenic (1 of 4 stars; one submission).

Conditions:
Recessive dystrophic epidermolysis bullosa (RDEB). Also called: DYSTROPHIC EPIDERMOLYSIS BULLOSA, AUTOSOMAL RECESSIVE; EPIDERMOLYSIS BULLOSA DYSTROPHICA, HALLOPEAU-SIEMENS TYPE; Hallopeau-Siemens Disease; severe generalized recessive dystrophic epidermolysis bullosa; EPIDERMOLYSIS BULLOSA DYSTROPHICA, GENERALIZED SEVERE, AUTOSOMAL RECESSIVE; Epidermolysis Bullosa Distrophica Autosomal Recessive (RDEB). Identifiers: Orphanet 79408, Orphanet 79409, MedGen C0079474, MONDO:0009179, OMIM 226600.

Submission:

Myriad Genetics, Inc.
Classification: Pathogenic for Recessive dystrophic epidermolysis bullosa. Last evaluated: 2025-11-07. Review status: criteria provided, single submitter. Criteria: Myriad Autosomal Dominant, Autosomal Recessive and X-Linked Classification Criteria (2023). Collection method: clinical testing. Allele origin: unknown.
Comment: NM_000094.3(COL7A1):c.2319delT(E774Sfs*24) is expected to be pathogenic in the context of dystrophic epidermolysis bullosa. This variant is predicted to lead to an abnormal or absent protein product due to the creation of a premature termination codon in COL7A1, a gene where loss-of-function variants are known to be pathogenic. Please note: this variant was assessed in the context of healthy population screening.

NM_000094.4(COL7A1):c.2319del (p.Glu774fs)

Gene: COL7A1 (collagen type VII alpha 1 chain; minus strand). Cytogenetic location: 3p21.31.
Variant type: Deletion.
Coding change: c.2319del on transcript NM_000094.4 (MANE Select); coding-DNA position 2319, one base deleted (T; older notation c.2319delT).
Protein change: p.Glu774fs; shifts the reading frame from glutamic acid 774.
Molecular consequence: frameshift variant.
Genome position (GRCh38, 1-based): chr3:48,588,991, A deleted on the plus strand (T on the coding strand, the reverse complement: COL7A1 is on the minus strand). VCF-style (leftmost placement, unchanged base first): chr3-48588990-CA-C. GRCh37 (hg19) VCF-style: chr3-48626423-CA-C.
Other names: short protein forms E774fs.
Identifiers: ClinVar variation 5015178 (VCV005015178.1).